The following is an entry in ClinVar:

ClinVar aggregate classification (germline): Uncertain significance (1 of 4 stars; one submission).

Submission:

Ambry Genetics
Classification: Uncertain significance. Last evaluated: 2025-04-19. Review status: criteria provided, single submitter. Criteria: Ambry Variant Classification Scheme 2023. Collection method: clinical testing. Allele origin: germline.
Comment: The p.T667A variant (also known as c.1999A>G), located in coding exon 3 of the CDK12 gene, results from an A to G substitution at nucleotide position 1999. The threonine at codon 667 is replaced by alanine, an amino acid with similar properties. This amino acid position is conserved. In addition, this alteration is predicted to be tolerated by in silico analysis. Based on the available evidence, the clinical significance of this variant remains unclear.

NM_016507.4(CDK12):c.1999A>G (p.Thr667Ala)

Gene: CDK12 (cyclin dependent kinase 12; plus strand). Cytogenetic location: 17q12.
Variant type: single nucleotide variant.
Coding change: c.1999A>G on transcript NM_016507.4 (MANE Select); coding-DNA position 1999, A replaced by G.
Protein change: p.Thr667Ala; replaces threonine 667 with alanine.
Molecular consequence: missense variant.
Genome position (GRCh38, 1-based): chr17:39,490,624, A>G. VCF-style: chr17-39490624-A-G. GRCh37 (hg19) VCF-style: chr17-37646877-A-G.
Other names: c.1999A>G, p.Thr667Ala (NM_015083.4); short protein forms T667A.
Identifiers: ClinVar variation 3999373 (VCV003999373.1).